The following is an entry in ClinVar:

ClinVar aggregate classification (germline): Uncertain significance. Review status: criteria provided, multiple submitters, no conflicts (2 of 4 stars). 2 submissions from 2 submitters: Uncertain significance (2). Last evaluated 2024-02-06.

Conditions:
CHARGE syndrome (CHARGE). Also called: Hittner Hirsch Kreh syndrome; CHARGE ASSOCIATION--COLOBOMA, HEART ANOMALY, CHOANAL ATRESIA, RETARDATION, GENITAL AND EAR ANOMALIES; Coloboma, heart anomaly, choanal atresia, retardation, genital and ear anomalies; CHARGE association; Hall-Hittner syndrome. Identifiers: Orphanet 138, MedGen C0265354, MONDO:0008965.
Hypogonadotropic hypogonadism 5 with or without anosmia (KAL5). Also called: CHD7-Related GnRH Deficiency (Kallmann Syndrome 5); HYPOGONADOTROPIC HYPOGONADISM 5 WITH ANOSMIA; HYPOGONADOTROPHIC HYPOGONADISM 5 WITHOUT ANOSMIA. Identifiers: Orphanet 478, MedGen C3552553, MONDO:0012880, OMIM 612370. Disease mechanism: loss of function.

gnomAD v4.1: 2 of 1,613,896 alleles (0.00012%); highest among the groups gnomAD compares: Non-Finnish European, 0.00017%; no homozygotes.

Submissions (2):

Fulgent Genetics
Classification: Uncertain significance for CHD7-related CHARGE syndrome; Hypogonadotropic hypogonadism 5 with or without anosmia. Last evaluated: 2024-02-06. Review status: criteria provided, single submitter. Criteria: ACMG Guidelines, 2015. Collection method: clinical testing. Allele origin: germline.

Labcorp Genetics (formerly Invitae), Labcorp
Classification: Uncertain significance for CHARGE syndrome. Last evaluated: 2023-06-07. Review status: criteria provided, single submitter. Criteria: Invitae Variant Classification Sherloc (09022015). Collection method: clinical testing. Allele origin: germline.
Comment: In summary, the available evidence is currently insufficient to determine the role of this variant in disease. Therefore, it has been classified as a Variant of Uncertain Significance. Advanced modeling of protein sequence and biophysical properties (such as structural, functional, and spatial information, amino acid conservation, physicochemical variation, residue mobility, and thermodynamic stability) performed at Invitae indicates that this missense variant is not expected to disrupt CHD7 protein function. This variant has not been reported in the literature in individuals affected with CHD7-related conditions. This variant is not present in population databases (gnomAD no frequency). This sequence change replaces asparagine, which is neutral and polar, with lysine, which is basic and polar, at codon 2436 of the CHD7 protein (p.Asn2436Lys).

NM_017780.4(CHD7):c.7308T>A (p.Asn2436Lys)

Gene: CHD7 (chromodomain helicase DNA binding protein 7; plus strand). Cytogenetic location: 8q12.2.
Variant type: single nucleotide variant.
Coding change: c.7308T>A on transcript NM_017780.4 (MANE Select); coding-DNA position 7308, T replaced by A.
Protein change: p.Asn2436Lys; replaces asparagine 2436 with lysine.
Molecular consequence: missense variant. On other transcripts: intron variant (1).
Genome position (GRCh38, 1-based): chr8:60,856,588, T>A. VCF-style: chr8-60856588-T-A. GRCh37 (hg19) VCF-style: chr8-61769147-T-A.
Other names: c.1717-5641T>A (NM_001316690.1); short protein forms N2436K.
Identifiers: ClinVar variation 2800418 (VCV002800418.4), dbSNP rs375586969, ClinGen allele CA371300730.
Genomic context (GRCh38, chr8:60,856,588, plus strand): 5'-GAGGCGAAATCTCATGGAGATGGTTGCCCAGCTTCGAGAGTCTCAGGTGGTCTCAGAAAA[T>A]GGACAAGAAAAAGTTGTAGATTTATCAAAGGCCTCAAGAGAGGCAACAAGCTCTACCTCA-3'
Protein context (NP_060250.2, residues 2426-2446): QLRESQVVSE[Asn2436Lys]GQEKVVDLSK